The following is an entry in ClinVar:

ClinVar aggregate classification (germline): Uncertain significance (1 of 4 stars; one submission).

Submission:

GeneDx
Classification: Uncertain significance. Last evaluated: 2024-08-13. Review status: criteria provided, single submitter. Criteria: GeneDx Variant Classification Process June 2021. Collection method: clinical testing. Allele origin: germline. Affected: yes.
Comment: Not observed at significant frequency in large population cohorts (gnomAD); Nonsense variant predicted to result in protein truncation or nonsense mediated decay in a gene or region of a gene for which loss of function is not a well-established mechanism of disease; Has not been previously published as pathogenic or benign to our knowledge

NM_004612.4(TGFBR1):c.592C>T (p.Gln198Ter)

Gene: TGFBR1 (transforming growth factor beta receptor 1; plus strand). Cytogenetic location: 9q22.33.
Variant type: single nucleotide variant.
Coding change: c.592C>T on transcript NM_004612.4 (MANE Select); coding-DNA position 592, C replaced by T.
Protein change: p.Gln198Ter; replaces glutamine 198 with a stop codon.
Molecular consequence: nonsense. On other transcripts: non-coding transcript variant (4), intron variant (2).
Genome position (GRCh38, 1-based): chr9:99,137,876, C>T. VCF-style: chr9-99137876-C-T. GRCh37 (hg19) VCF-style: chr9-101900158-C-T.
Other names: c.361C>T, p.Gln121Ter (NM_001130916.3); c.604C>T, p.Gln202Ter (NM_001306210.2, NM_001407416.1); c.592C>T, p.Gln198Ter (NM_001407417.1); c.397C>T, p.Gln133Ter (NM_001407418.1, NM_001407419.1, NM_001407420.1 and 1 more transcripts); c.385C>T, p.Gln129Ter (NM_001407423.1, NM_001407424.1, NM_001407425.1 and 8 more transcripts); c.346C>T, p.Gln116Ter (NM_001407436.1); c.115C>T, p.Gln39Ter (NM_001407438.1); c.575-4660C>T (NM_001407435.1); and 1 more; short protein forms Q116*, Q121*, Q129*, Q133*, Q198*, Q202*, Q39*.
Identifiers: ClinVar variation 3766199 (VCV003766199.1).